The following is an entry in ClinVar:

ClinVar aggregate classification (germline): Conflicting classifications of pathogenicity. Review status: criteria provided, conflicting classifications (1 of 4 stars). 2 submissions from 2 submitters: Uncertain significance (1); Likely benign (1). Last evaluated 2025-11-10.

Conditions:
Joubert syndrome. Also called: CEREBELLOPARENCHYMAL DISORDER IV; JOUBERT-BOLTSHAUSER SYNDROME; Familial aplasia of the vermis. Identifiers: Orphanet 475, MedGen C5979921, MONDO:0018772.
Nephronophthisis. Also called: Juvenile Nephronophthisis. Identifiers: Orphanet 655, MedGen C0687120, MONDO:0019005, HP:0000090.
Meckel-Gruber syndrome. Also called: DYSENCEPHALIA SPLANCHNOCYSTICA; GRUBER SYNDROME; Dysencephalia splachnocystica. Identifiers: Orphanet 564, MedGen C0265215, MONDO:0018921.

Submissions (2):

Women's Health and Genetics/Laboratory Corporation of America, LabCorp
Classification: Uncertain significance. Last evaluated: 2025-11-10. Review status: criteria provided, single submitter. Criteria: LabCorp Variant Classification Summary - May 2015. Collection method: clinical testing. Allele origin: germline.
Comment: Variant summary: CEP290 c.5226+6_5226+7delinsGGGAC alters a conserved nucleotide located close to a canonical splice site and therefore could affect mRNA splicing, leading to a significantly altered protein sequence. Consensus agreement among computation tools predict no significant impact on normal splicing. However, these predictions have yet to be confirmed by functional studies. The variant was absent in 218152 control chromosomes. The available data on variant occurrences in the general population are insufficient to allow any conclusion about variant significance. To our knowledge, no occurrence of c.5226+6_5226+7delinsGGGAC in individuals affected with CEP290-related conditions and no experimental evidence demonstrating its impact on protein function have been reported. No submitters have cited clinical-significance assessments for this variant to ClinVar. Based on the evidence outlined above, the variant was classified as uncertain significance.

Labcorp Genetics (formerly Invitae), Labcorp
Classification: Likely benign for Joubert syndrome; Meckel-Gruber syndrome; Nephronophthisis. Last evaluated: 2019-08-29. Review status: criteria provided, single submitter. Criteria: Invitae Variant Classification Sherloc (09022015). Collection method: clinical testing. Allele origin: germline.

NM_025114.4(CEP290):c.5226+6_5226+7delinsGGGAC

Gene: CEP290 (centrosomal protein 290; minus strand). Cytogenetic location: 12q21.32.
Variant type: Indel.
Coding change: c.5226+6_5226+7delinsGGGAC on transcript NM_025114.4 (MANE Select); bases 6 to 7 of the intron after coding-DNA position 5226, TA replaced by GGGAC.
Molecular consequence: intron variant.
Genome position (GRCh38, 1-based): chr12:88,080,175-88,080,176, TA replaced by GTCCC on the plus strand (TA replaced by GGGAC on the coding strand, the reverse complement: CEP290 is on the minus strand). VCF-style: chr12-88080175-TA-GTCCC. GRCh37 (hg19) VCF-style: chr12-88473952-TA-GTCCC.
Identifiers: ClinVar variation 4536922 (VCV004536922.2).
Genomic context (GRCh38, chr12:88,080,175, plus strand): 5'-AATCTTCTCTAAAAGCAATCTACCACATATTTTTCCTAAATGTTGATAATTTTCTGTTGT[TA>GTCCC]CTTACTTTCTGTTGTTTCTCCTTCAAGGCTAATTGGCTCTTTAGCCGTTCTACTAGATTT-3'